The following is an entry in ClinVar:

NM_001365276.2(TNXB):c.9985del (p.Leu3329fs)

Gene: TNXB (tenascin XB; minus strand). Cytogenetic location: 6p21.33.
Variant type: Deletion.
Coding change: c.9985del on transcript NM_001365276.2 (MANE Select); coding-DNA position 9985, one base deleted (C; older notation c.9985delC).
Protein change: p.Leu3329fs; shifts the reading frame from leucine 3329.
Molecular consequence: frameshift variant.
Genome position (GRCh38, 1-based): chr6:32,048,423, G deleted on the plus strand (C on the coding strand, the reverse complement: TNXB is on the minus strand); the first of 2 consecutive G bases (chr6:32,048,423-32,048,424); deleting either gives the same sequence. VCF-style (leftmost placement, unchanged base first): chr6-32048422-AG-A. GRCh37 (hg19) VCF-style: chr6-32016199-AG-A.
Other names: c.10726del, p.Leu3576fs (NM_001428335.1); c.9979del, p.Leu3327fs (NM_019105.8); short protein forms L3327fs, L3329fs, L3576fs.
Identifiers: ClinVar variation 5015831 (VCV005015831.1).
Genomic context (GRCh38, chr6:32,048,422, plus strand): 5'-CCGGTCCTGGCCTCCACAGGGACTGGGCCGTGGCGTTTCCCATTCTGGAGTCCAAAGAGC[AG>A]GAACTTGTACTTGCGGGCCGGGTCCAGCCCCGAGACGGCGACCGCTCGGAGGTCTCCGCT-3'

ClinVar aggregate classification (germline): Pathogenic (1 of 4 stars; one submission).

Conditions:
Ehlers-Danlos syndrome due to tenascin-X deficiency (EDSCLL1). Also called: EDS DUE TO TNX DEFICIENCY; TNX DEFICIENCY; Ehlers-Danlos syndrome, classic-like, 1; EHLERS-DANLOS SYNDROME, CLASSIC-LIKE; TNXB-Related Classical-Like Ehlers-Danlos Syndrome. Identifiers: Orphanet 230839, MedGen C1848029, MONDO:0011670, OMIM 606408.

Submission:

Myriad Genetics, Inc.
Classification: Pathogenic for Ehlers-Danlos syndrome due to tenascin-X deficiency. Last evaluated: 2026-04-26. Review status: criteria provided, single submitter. Criteria: Myriad Autosomal Dominant, Autosomal Recessive and X-Linked Classification Criteria (2023). Collection method: clinical testing. Allele origin: unknown.
Comment: NM_019105.6(TNXB):c.9979delC(L3327Cfs*33) is expected to be pathogenic in the context of classical-like Ehlers-Danlos syndrome, TNXB-related. This variant is predicted to lead to an abnormal or absent protein product due to the creation of a premature termination codon in TNXB, a gene where loss-of-function variants are known to be pathogenic. Please note: this variant was assessed in the context of healthy population screening.